The following is an entry in ClinVar:

NM_153676.4(USH1C):c.341T>C (p.Ile114Thr)

Gene: USH1C (USH1 protein network component harmonin; minus strand). Cytogenetic location: 11p15.1.
Variant type: single nucleotide variant.
Coding change: c.341T>C on transcript NM_153676.4 (MANE Select); coding-DNA position 341, T replaced by C.
Protein change: p.Ile114Thr; replaces isoleucine 114 with threonine.
Molecular consequence: missense variant. On other transcripts: non-coding transcript variant (1).
Genome position (GRCh38, 1-based): chr11:17,531,200, A>G on the plus strand (T>C on the coding strand, the complement: USH1C is on the minus strand). VCF-style: chr11-17531200-A-G. GRCh37 (hg19) VCF-style: chr11-17552747-A-G.
Other names: c.341T>C (NM_005709.3, NM_153676.3); c.341T>C, p.Ile114Thr (NM_001297764.2, NM_005709.4); short protein forms I114T.
Identifiers: ClinVar variation 992089 (VCV000992089.6), dbSNP rs767655370, ClinGen allele CA5905093.

ClinVar aggregate classification (germline): Uncertain significance. Review status: criteria provided, multiple submitters, no conflicts (2 of 4 stars). 5 submissions from 5 submitters: Uncertain significance (3). 2 of the submissions do not count toward it. Last evaluated 2024-01-17.

Conditions:
Inborn genetic diseases. Identifiers: MedGen C0950123, MeSH D030342.
Usher syndrome type 1C. Also called: USHER SYNDROME, TYPE I, ACADIAN VARIETY. Identifiers: Orphanet 231169, Orphanet 886, MedGen C1848604, MONDO:0010171, OMIM 276904.
USH1C-related disorder. Also called: USH1C-related condition.

Allele frequency attached by ClinVar (database versions not stated): gnomAD below 0.00001 and 0.00001; ExAC 0.00001; gnomAD exomes 0.00001 and 0.00002; TOPMed 0.00001.
gnomAD v4.1: 13 of 1,613,798 alleles (0.00081%); highest among the groups gnomAD compares: South Asian, 0.013%; no homozygotes.

Submissions (5):

Ambry Genetics
Classification: Uncertain significance for Inborn genetic diseases. Last evaluated: 2024-01-17. Review status: criteria provided, single submitter. Criteria: Ambry Variant Classification Scheme 2023. Collection method: clinical testing. Allele origin: germline.

Labcorp Genetics (formerly Invitae), Labcorp
Classification: Uncertain significance. Last evaluated: 2022-03-01. Review status: criteria provided, single submitter. Criteria: Invitae Variant Classification Sherloc (09022015). Collection method: clinical testing. Allele origin: germline.
Comment: This sequence change replaces isoleucine, which is neutral and non-polar, with threonine, which is neutral and polar, at codon 114 of the USH1C protein (p.Ile114Thr). This variant is present in population databases (rs767655370, gnomAD 0.01%). This variant has not been reported in the literature in individuals affected with USH1C-related conditions. ClinVar contains an entry for this variant (Variation ID: 992089). Algorithms developed to predict the effect of missense changes on protein structure and function (SIFT, PolyPhen-2, Align-GVGD) all suggest that this variant is likely to be disruptive. In summary, the available evidence is currently insufficient to determine the role of this variant in disease. Therefore, it has been classified as a Variant of Uncertain Significance.

GeneDx
Classification: Uncertain significance. Last evaluated: 2020-02-11. Review status: criteria provided, single submitter. Criteria: GeneDx Variant Classification Process June 2021. Collection method: clinical testing. Allele origin: germline. Affected: yes.
Comment: In silico analysis supports that this missense variant has a deleterious effect on protein structure/function; Has not been previously published as pathogenic or benign to our knowledge

PreventionGenetics, part of Exact Sciences
Classification: Uncertain significance for USH1C-related condition. Last evaluated: 2024-09-16. Review status: no assertion criteria provided. Collection method: clinical testing. Allele origin: germline. Not counted in ClinVar's aggregate classification.
Comment: The USH1C c.341T>C variant is predicted to result in the amino acid substitution p.Ile114Thr. To our knowledge, this variant has not been reported in the literature. This variant is reported in 0.013% of alleles in individuals of South Asian descent in gnomAD. At this time, the clinical significance of this variant is uncertain due to the absence of conclusive functional and genetic evidence.

Natera, Inc.
Classification: Uncertain significance for Usher syndrome type 1C. Last evaluated: 2020-07-14. Review status: no assertion criteria provided. Collection method: clinical testing. Allele origin: germline. Not counted in ClinVar's aggregate classification.